The following is an entry in ClinVar:

ClinVar aggregate classification (germline): Likely benign. Review status: criteria provided, multiple submitters, no conflicts (2 of 4 stars). 2 submissions from 2 submitters: Likely benign (2). Last evaluated 2023-10-10.

Allele frequency attached by ClinVar (database versions not stated): TOPMed 0.00002; ExAC 0.00003; gnomAD 0.00003; gnomAD exomes 0.00004.
gnomAD v4.1: 57 of 1,614,092 alleles (0.0035%); highest among the groups gnomAD compares: Admixed American, 0.01%; no homozygotes.

Submissions (2):

Ambry Genetics
Classification: Likely benign. Last evaluated: 2023-10-10. Review status: criteria provided, single submitter. Criteria: Ambry Variant Classification Scheme 2023. Collection method: clinical testing. Allele origin: germline.

Laboratory for Molecular Medicine, Mass General Brigham Personalized Medicine
Classification: Likely benign. Last evaluated: 2014-05-20. Review status: criteria provided, single submitter. Criteria: LMM Criteria. Collection method: clinical testing. Allele origin: germline. Observed: 1 variant allele.
Comment: Gly63Ser in exon 4 of SERPINB6: This variant is not expected to have clinical si gnificance due to a lack of conservation across species, including mammals. Of note, at least 16 different mammals have a serine (Ser) at this position despite high nearby amino acid conservation.

NM_004568.6(SERPINB6):c.187G>A (p.Gly63Ser)

Gene: SERPINB6 (serpin family B member 6; minus strand). Cytogenetic location: 6p25.2.
Variant type: single nucleotide variant.
Coding change: c.187G>A on transcript NM_004568.6 (MANE Select); coding-DNA position 187, G replaced by A.
Protein change: p.Gly63Ser; replaces glycine 63 with serine.
Molecular consequence: missense variant. On other transcripts: non-coding transcript variant (1).
Genome position (GRCh38, 1-based): chr6:2,955,649, C>T on the plus strand (G>A on the coding strand, the complement: SERPINB6 is on the minus strand). VCF-style: chr6-2955649-C-T. GRCh37 (hg19) VCF-style: chr6-2955883-C-T.
Other names: c.199G>A, p.Gly67Ser (NM_001195291.3, NM_001374515.1); c.229G>A, p.Gly77Ser (NM_001271822.2); c.244G>A, p.Gly82Ser (NM_001271823.2); c.187G>A, p.Gly63Ser (NM_001271824.2, NM_001271825.2, NM_001297699.2 and 2 more transcripts); c.55G>A, p.Gly19Ser (NM_001374517.1); c.187G>A (NM_004568.5); short protein forms G67S, G77S, G63S, G82S, G19S.
Identifiers: ClinVar variation 165194 (VCV000165194.6), dbSNP rs727503417, ClinGen allele CA177915.
Genomic context (GRCh38, chr6:2,955,649, plus strand): 5'-CAGTCTTGTTCACTTCGGTGAGAAGAGACTGGAAGCCCTGGTGGATGTCTCCACCACCGC[C>T]ACTTTTATTGAAAGAAAGTATCTGAAATCAAAAACAGAATGAAAACAAATCATTCCTGTA-3'
Protein context (NP_004559.4, residues 53-73): MAQILSFNKS[Gly63Ser]GGGDIHQGFQ